The following is an entry in ClinVar:

NM_000081.4(LYST):c.3137A>G (p.Asp1046Gly)

Gene: LYST (lysosomal trafficking regulator; minus strand). Cytogenetic location: 1q42.3.
Variant type: single nucleotide variant.
Coding change: c.3137A>G on transcript NM_000081.4 (MANE Select); coding-DNA position 3137, A replaced by G.
Protein change: p.Asp1046Gly; replaces aspartic acid 1046 with glycine.
Molecular consequence: missense variant.
Genome position (GRCh38, 1-based): chr1:235,805,999, T>C on the plus strand (A>G on the coding strand, the complement: LYST is on the minus strand). VCF-style: chr1-235805999-T-C. GRCh37 (hg19) VCF-style: chr1-235969299-T-C.
Other names: c.3137A>G (NM_000081.2); c.3137A>G, p.Asp1046Gly (NM_001301365.1); short protein forms D1046G.
Identifiers: ClinVar variation 579027 (VCV000579027.6), dbSNP rs376134468, ClinGen allele CA1467134.

ClinVar aggregate classification (germline): Uncertain significance. Review status: criteria provided, multiple submitters, no conflicts (2 of 4 stars). 2 submissions from 2 submitters: Uncertain significance (2). Last evaluated 2023-11-04.

Conditions:
Chédiak-Higashi syndrome (CHS). Also called: Chediak-Higashi Syndrome. Identifiers: Orphanet 167, MedGen C0007965, MONDO:0008963, OMIM 214500.

Allele frequency attached by ClinVar (database versions not stated): ExAC 0.00002; ESP Exome Variant Server 0.00008; gnomAD 0.00009.
gnomAD v4.1: 36 of 1,613,806 alleles (0.0022%); highest among the groups gnomAD compares: African/African-American, 0.048%; no homozygotes.

Submissions (2):

GeneDx
Classification: Uncertain significance. Last evaluated: 2023-11-04. Review status: criteria provided, single submitter. Criteria: GeneDx Variant Classification Process June 2021. Collection method: clinical testing. Allele origin: germline. Affected: yes.
Comment: In silico analysis supports that this missense variant does not alter protein structure/function; Has not been previously published as pathogenic or benign to our knowledge

Labcorp Genetics (formerly Invitae), Labcorp
Classification: Uncertain significance for Chédiak-Higashi syndrome. Last evaluated: 2022-08-23. Review status: criteria provided, single submitter. Criteria: Invitae Variant Classification Sherloc (09022015). Collection method: clinical testing. Allele origin: germline.
Comment: This sequence change replaces aspartic acid, which is acidic and polar, with glycine, which is neutral and non-polar, at codon 1046 of the LYST protein (p.Asp1046Gly). This variant is present in population databases (rs376134468, gnomAD 0.03%). This variant has not been reported in the literature in individuals affected with LYST-related conditions. ClinVar contains an entry for this variant (Variation ID: 579027). Algorithms developed to predict the effect of missense changes on protein structure and function (SIFT, PolyPhen-2, Align-GVGD) all suggest that this variant is likely to be tolerated. In summary, the available evidence is currently insufficient to determine the role of this variant in disease. Therefore, it has been classified as a Variant of Uncertain Significance.